The following is an entry in ClinVar:

NM_174936.4(PCSK9):c.462C>A (p.Ile154=)

Gene: PCSK9 (proprotein convertase subtilisin/kexin type 9; plus strand). Cytogenetic location: 1p32.3.
Variant type: single nucleotide variant.
Coding change: c.462C>A on transcript NM_174936.4 (MANE Select); coding-DNA position 462, C replaced by A.
Protein change: p.Ile154=; no amino-acid change (isoleucine 154 retained).
Molecular consequence: synonymous variant. On other transcripts: non-coding transcript variant (6).
Genome position (GRCh38, 1-based): chr1:55,046,585, C>A. VCF-style: chr1-55046585-C-A. GRCh37 (hg19) VCF-style: chr1-55512258-C-A.
Other names: c.585C>A, p.Ile195= (NM_001407240.1); c.462C>A, p.Ile154= (NM_001407241.1, NM_001407242.1, NM_001407244.1 and 1 more transcripts); c.405C>A, p.Ile135= (NM_001407243.1); c.270C>A, p.Ile90= (NM_001407245.1); c.87C>A, p.Ile29= (NM_001407246.1).
Identifiers: ClinVar variation 3074128 (VCV003074128.1), dbSNP rs2523195810, ClinGen allele CA417957626.
Genomic context (GRCh38, chr1:55,046,585, plus strand): 5'-CTTGAAGTTGCCCCATGTCGACTACATCGAGGAGGACTCCTCTGTCTTTGCCCAGAGCAT[C>A]CCGTGGAACCTGGAGCGGATTACCCCTCCACGGTACCGGGCGGATGAATACCAGCCCCCC-3'
Protein context (NP_777596.2, residues 144-164): EEDSSVFAQS[Ile154=]PWNLERITPP

ClinVar aggregate classification (germline): Likely benign (1 of 4 stars; one submission).

Conditions:
Hypercholesterolemia, autosomal dominant, 3 (FHCL3). Also called: Familial Hypercholesterolemia, Autosomal Dominant, 3; PCSK9-Related Familial Hypercholesterolemia, Autosomal Dominant; Familial hypercholesterolemia 3. Identifiers: MedGen C1863551, MONDO:0011369, OMIM 603776.

Allele frequency attached by ClinVar (database versions not stated): gnomAD exomes below 0.00001.

Submission:

All of Us Research Program, National Institutes of Health
Classification: Likely benign for Hypercholesterolemia, autosomal dominant, 3. Last evaluated: 2023-10-23. Review status: criteria provided, single submitter. Criteria: ACMG Guidelines, 2015. Collection method: clinical testing. Allele origin: germline. Inheritance: Autosomal dominant inheritance. Observed: 1 variant allele, 1 heterozygote.
Comment: This study involves interpretation of variants in research participants for the purpose of population health screening. Participant phenotype was not available at the time of variant classification. Additional details can be found in publication PMID: 35346344, PMCID: PMC8962531